The following is an entry in ClinVar:

NM_007373.4(SHOC2):c.736G>C (p.Ala246Pro)

Gene: SHOC2 (SHOC2 leucine rich repeat scaffold protein; plus strand). Cytogenetic location: 10q25.2.
Variant type: single nucleotide variant.
Coding change: c.736G>C on transcript NM_007373.4 (MANE Select); coding-DNA position 736, G replaced by C.
Protein change: p.Ala246Pro; replaces alanine 246 with proline.
Molecular consequence: missense variant. On other transcripts: non-coding transcript variant (1), intron variant (1).
Genome position (GRCh38, 1-based): chr10:110,985,660, G>C. VCF-style: chr10-110985660-G-C. GRCh37 (hg19) VCF-style: chr10-112745418-G-C.
Other names: c.736G>C, p.Ala246Pro (NM_001324336.2, NM_001324337.2); c.704-14755G>C (NM_001269039.3); short protein forms A246P.
Identifiers: ClinVar variation 3716465 (VCV003716465.2).

ClinVar aggregate classification (germline): Uncertain significance (1 of 4 stars; one submission).

Conditions:
RASopathy. Also called: rasopathies; Noonan spectrum disorder. Identifiers: Orphanet 536391, MedGen C5555857, MONDO:0021060.

gnomAD v4.1: 2 of 1,611,740 alleles (0.00012%); highest among the groups gnomAD compares: Non-Finnish European, 0.00017%; no homozygotes.

Submission:

Labcorp Genetics (formerly Invitae), Labcorp
Classification: Uncertain significance for RASopathy. Last evaluated: 2024-05-04. Review status: criteria provided, single submitter. Criteria: Invitae Variant Classification Sherloc (09022015). Collection method: clinical testing. Allele origin: germline.
Comment: This sequence change replaces alanine, which is neutral and non-polar, with proline, which is neutral and non-polar, at codon 246 of the SHOC2 protein (p.Ala246Pro). This variant is not present in population databases (gnomAD no frequency). This variant has not been reported in the literature in individuals affected with SHOC2-related conditions. Advanced modeling of protein sequence and biophysical properties (such as structural, functional, and spatial information, amino acid conservation, physicochemical variation, residue mobility, and thermodynamic stability) performed at Invitae indicates that this missense variant is not expected to disrupt SHOC2 protein function with a negative predictive value of 80%. In summary, the available evidence is currently insufficient to determine the role of this variant in disease. Therefore, it has been classified as a Variant of Uncertain Significance.